The following is an entry in ClinVar:

NM_002941.4(ROBO1):c.4864G>A (p.Val1622Ile)

Gene: ROBO1 (roundabout guidance receptor 1; minus strand). Cytogenetic location: 3p12.3.
Variant type: single nucleotide variant.
Coding change: c.4864G>A on transcript NM_002941.4 (MANE Select); coding-DNA position 4864, G replaced by A.
Protein change: p.Val1622Ile; replaces valine 1622 with isoleucine.
Molecular consequence: missense variant.
Genome position (GRCh38, 1-based): chr3:78,600,190, C>T on the plus strand (G>A on the coding strand, the complement: ROBO1 is on the minus strand). VCF-style: chr3-78600190-C-T. GRCh37 (hg19) VCF-style: chr3-78649340-C-T.
Other names: c.4564G>A, p.Val1522Ile (NM_001145845.2); c.4729G>A, p.Val1577Ile (NM_133631.4); short protein forms V1522I, V1577I, V1622I.
Identifiers: ClinVar variation 4977050 (VCV004977050.1).
Genomic context (GRCh38, chr3:78,600,190, plus strand): 5'-TATCTTCTCCTCTTTCATATCCTCCAAGTACCTGCATTTCTGCAATATTTCTTCGACCTA[C>T]ATTTGCTTGTTCTCTTTGTCTGCTTCCTGATCCTCTTGATGACATTGAGCTTGAGGAACT-3'
Protein context (NP_002932.1, residues 1612-1632): SGSRQREQAN[Val1622Ile]GRRNIAEMQV

ClinVar aggregate classification (germline): Uncertain significance (1 of 4 stars; one submission).

Conditions:
ROBO1-related disorder. Also called: ROBO1-related condition.

Submission:

PreventionGenetics, part of Exact Sciences
Classification: Uncertain significance for ROBO1-related condition. Last evaluated: 2025-03-24. Review status: criteria provided, single submitter. Criteria: ACMG Guidelines, 2015. Collection method: clinical testing. Allele origin: germline.
Comment: The ROBO1 c.4864G>A variant is predicted to result in the amino acid substitution p.Val1622Ile. To our knowledge, this variant has not been reported in the literature or in a large population database (gnomAD), indicating this variant is rare. At this time, the clinical significance of this variant is uncertain due to the absence of conclusive functional and genetic evidence.